The following is an entry in ClinVar:

ClinVar aggregate classification (germline): Likely benign. Review status: criteria provided, multiple submitters, no conflicts (2 of 4 stars). 2 submissions from 2 submitters: Likely benign (2). Last evaluated 2026-02-01.

Conditions:
Combined immunodeficiency due to STIM1 deficiency. Also called: STIM1 DEFICIENCY; IMMUNODEFICIENCY 10. Identifiers: Orphanet 169090, Orphanet 317430, MedGen C2748557, MONDO:0013008, OMIM 612783.
Myopathy with tubular aggregates (TAM). Also called: Tubular Aggregate Myopathy. Identifiers: Orphanet 2593, MedGen C0410207, MONDO:0008051.
Stormorken syndrome (STRMK). Also called: THROMBOCYTOPATHY, ASPLENIA, AND MIOSIS. Identifiers: Orphanet 3204, MedGen C1861451, MONDO:0008497, OMIM 185070.

Allele frequency attached by ClinVar (database versions not stated): ExAC 0.00003; TOPMed 0.00004; gnomAD 0.00007 and 0.00008.
gnomAD v4.1: 76 of 1,613,808 alleles (0.0047%); highest among the groups gnomAD compares: Middle Eastern, 0.016%; 1 homozygote.

Submissions (2):

CeGaT Center for Human Genetics Tuebingen
Classification: Likely benign. Last evaluated: 2026-02-01. Review status: criteria provided, single submitter. Criteria: CeGaT Center For Human Genetics Tuebingen Variant Classification Criteria Version 2. Collection method: clinical testing. Allele origin: germline. Affected: yes. Observed: 1 variant allele.
Comment: STIM1: BP4, BP7

Labcorp Genetics (formerly Invitae), Labcorp
Classification: Likely benign for Myopathy with tubular aggregates; Combined immunodeficiency due to STIM1 deficiency; Stormorken syndrome. Last evaluated: 2025-12-24. Review status: criteria provided, single submitter. Criteria: Invitae Variant Classification Sherloc (09022015). Collection method: clinical testing. Allele origin: germline.

NM_001382567.1(STIM1):c.603G>A (p.Gly201=)

Gene: STIM1 (stromal interaction molecule 1; plus strand). Cytogenetic location: 11p15.4.
Variant type: single nucleotide variant.
Coding change: c.603G>A on transcript NM_001382567.1 (MANE Select); coding-DNA position 603, G replaced by A.
Protein change: p.Gly201=; no amino-acid change (glycine 201 retained).
Molecular consequence: synonymous variant. On other transcripts: non-coding transcript variant (3), intron variant (1).
Genome position (GRCh38, 1-based): chr11:4,059,386, G>A. VCF-style: chr11-4059386-G-A. GRCh37 (hg19) VCF-style: chr11-4080616-G-A.
Other names: c.603G>A, p.Gly201= (NM_001277961.3, NM_001277962.2, NM_001382568.1 and 2 more transcripts); c.381G>A, p.Gly127= (NM_001382566.1, NM_001382573.1, NM_001382574.1 and 5 more transcripts); c.468G>A, p.Gly156= (NM_001382569.1); c.123G>A, p.Gly41= (NM_001382571.1); c.114G>A, p.Gly38= (NM_001382580.1, NM_001382581.1); c.386-10640G>A (NM_001382570.1).
Identifiers: ClinVar variation 705838 (VCV000705838.13), dbSNP rs142843376, ClinGen allele CA5830261.